The following is an entry in ClinVar:

NM_001330288.2(SMARCC2):c.1863+2T>C

Gene: SMARCC2 (SWI/SNF related BAF chromatin remodeling complex subunit C2; minus strand). Cytogenetic location: 12q13.2.
Variant type: single nucleotide variant.
Coding change: c.1863+2T>C on transcript NM_001330288.2 (MANE Select); the canonical splice donor site of the intron after coding-DNA position 1863, T replaced by C.
Molecular consequence: splice donor variant.
Genome position (GRCh38, 1-based): chr12:56,172,583, A>G on the plus strand (T>C on the coding strand, the complement: SMARCC2 is on the minus strand). VCF-style: chr12-56172583-A-G. GRCh37 (hg19) VCF-style: chr12-56566367-A-G.
Other names: c.1770+2T>C (NM_003075.5); c.1863+2T>C (NM_139067.4, NM_001130420.3).
Identifiers: ClinVar variation 4076641 (VCV004076641.1).
Genomic context (GRCh38, chr12:56,172,583, plus strand): 5'-GGAGCCTGTGACCTCTGAGGAGCGAACATTCTCTACCCCTAGAGTCGGCCCGCACCTCCT[A>G]CCTTGGAGGGAACATTCTTTTTTGTGTACATGTCTGTGCGCAGCCCAAAGTTTTGCATGT-3'

ClinVar aggregate classification (germline): Likely pathogenic (1 of 4 stars; one submission).

Submission:

GeneDx
Classification: Likely pathogenic. Last evaluated: 2025-02-23. Review status: criteria provided, single submitter. Criteria: GeneDx Variant Classification Process June 2021. Collection method: clinical testing. Allele origin: germline. Affected: yes.
Comment: Canonical splice site variant predicted to result in an in-frame loss of the adjacent exon in a gene for which loss of function is a known mechanism of disease; Not observed at significant frequency in large population cohorts (gnomAD); Has not been previously published as pathogenic or benign to our knowledge